The following is an entry in ClinVar:

ClinVar aggregate classification (germline): Uncertain significance. Review status: criteria provided, multiple submitters, no conflicts (2 of 4 stars). 2 submissions from 2 submitters: Uncertain significance (2). Last evaluated 2025-11-05.

Allele frequency attached by ClinVar (database versions not stated): ExAC 0.00008; 1000 Genomes Project 0.00020; TOPMed 0.00005; gnomAD 0.00007; 1000 Genomes Project 30x 0.00016.
gnomAD v4.1: 41 of 1,614,220 alleles (0.0025%); highest among the groups gnomAD compares: East Asian, 0.056%; 1 homozygote.

Submissions (2):

Labcorp Genetics (formerly Invitae), Labcorp
Classification: Uncertain significance. Last evaluated: 2025-11-05. Review status: criteria provided, single submitter. Criteria: Invitae Variant Classification Sherloc (09022015). Collection method: clinical testing. Allele origin: germline.
Comment: This sequence change replaces glutamic acid, which is acidic and polar, with lysine, which is basic and polar, at codon 1007 of the NIN protein (p.Glu1007Lys). This variant is present in population databases (rs200571367, gnomAD 0.1%), and has an allele count higher than expected for a pathogenic variant. This variant has not been reported in the literature in individuals affected with NIN-related conditions. ClinVar contains an entry for this variant (Variation ID: 2537385). An algorithm developed to predict the effect of missense changes on protein structure and function outputs the following: PolyPhen-2: "Benign". The lysine amino acid residue is found in multiple mammalian species, which suggests that this missense change does not adversely affect protein function. In summary, the available evidence is currently insufficient to determine the role of this variant in disease. Therefore, it has been classified as a Variant of Uncertain Significance.

Ambry Genetics
Classification: Uncertain significance. Last evaluated: 2023-04-17. Review status: criteria provided, single submitter. Criteria: Ambry Variant Classification Scheme 2023. Collection method: clinical testing. Allele origin: germline.

NM_020921.4(NIN):c.3019G>A (p.Glu1007Lys)

Gene: NIN (ninein; minus strand). Cytogenetic location: 14q22.1.
Variant type: single nucleotide variant.
Coding change: c.3019G>A on transcript NM_020921.4 (MANE Select); coding-DNA position 3019, G replaced by A.
Protein change: p.Glu1007Lys; replaces glutamic acid 1007 with lysine.
Molecular consequence: missense variant. On other transcripts: intron variant (1).
Genome position (GRCh38, 1-based): chr14:50,758,011, C>T on the plus strand (G>A on the coding strand, the complement: NIN is on the minus strand). VCF-style: chr14-50758011-C-T. GRCh37 (hg19) VCF-style: chr14-51224729-C-T.
Other names: c.3019G>A, p.Glu1007Lys (NM_182944.3, NM_182946.2); c.2399+1846G>A (NM_016350.5); short protein forms E1007K.
Identifiers: ClinVar variation 2537385 (VCV002537385.4), dbSNP rs200571367, ClinGen allele CA7181815.
Genomic context (GRCh38, chr14:50,758,011, plus strand): 5'-ATGTTGCCTGCTGCATTTCCTTTATTTTACTCTGAAGTCTGGAGATTTCTGTGCTCATCT[C>T]GGCTCTTTCTCGATCTGCTGTCTCACAGGTCGCTTTGTGAATGTTCTCCATGGCTAGAAG-3'
Protein context (NP_065972.4, residues 997-1017): TCETADRERA[Glu1007Lys]MSTEISRLQS